The following is an entry in ClinVar:

ClinVar aggregate classification (germline): Uncertain significance (1 of 4 stars; one submission).

Conditions:
Carney-Stratakis syndrome. Also called: PARAGANGLIOMA AND GASTROINTESTINAL STROMAL TUMOR. Identifiers: Orphanet 97286, MedGen C1847319, MONDO:0011740, OMIM 606864.
Cowden syndrome 3 (CWS3). Identifiers: Orphanet 201, MedGen CN166604, MONDO:0014045.
Pheochromocytoma. Also called: MAX-Related Hereditary Paraganglioma-Pheochromocytoma Syndrome. Identifiers: Orphanet 29072, MedGen C0031511, MONDO:0008233, OMIM 171300, HP:0002666.
Paragangliomas with sensorineural hearing loss. Identifiers: MedGen C1868633.

Submission:

Labcorp Genetics (formerly Invitae), Labcorp
Classification: Uncertain significance for Carney-Stratakis syndrome; Paragangliomas with sensorineural hearing loss; Pheochromocytoma; Cowden syndrome 3. Last evaluated: 2024-02-26. Review status: criteria provided, single submitter. Criteria: Invitae Variant Classification Sherloc (09022015). Collection method: clinical testing. Allele origin: germline.
Comment: This sequence change replaces glycine, which is neutral and non-polar, with arginine, which is basic and polar, at codon 15 of the SDHD protein (p.Gly15Arg). This variant is not present in population databases (gnomAD no frequency). This variant has not been reported in the literature in individuals affected with SDHD-related conditions. ClinVar contains an entry for this variant (Variation ID: 650762). Advanced modeling of protein sequence and biophysical properties (such as structural, functional, and spatial information, amino acid conservation, physicochemical variation, residue mobility, and thermodynamic stability) performed at Invitae indicates that this missense variant is not expected to disrupt SDHD protein function with a negative predictive value of 95%. In summary, the available evidence is currently insufficient to determine the role of this variant in disease. Therefore, it has been classified as a Variant of Uncertain Significance.

NM_003002.4(SDHD):c.43G>C (p.Gly15Arg)

Genes: SDHD (succinate dehydrogenase complex subunit D; plus strand), LOC126861339 (BRD4-independent group 4 enhancer GRCh37_chr11:111957035-111958234; plus strand). Cytogenetic location: 11q23.1.
Variant type: single nucleotide variant.
Coding change: c.43G>C on transcript NM_003002.4 (MANE Select); coding-DNA position 43, G replaced by C.
Protein change: p.Gly15Arg; replaces glycine 15 with arginine.
Molecular consequence: missense variant. On other transcripts: non-coding transcript variant (1).
Genome position (GRCh38, 1-based): chr11:112,086,950, G>C. VCF-style: chr11-112086950-G-C. GRCh37 (hg19) VCF-style: chr11-111957674-G-C.
Other names: c.43G>C, p.Gly15Arg (NM_001276503.2, NM_001276504.2, NM_001276506.2); short protein forms G15R.
Identifiers: ClinVar variation 650762 (VCV000650762.12), dbSNP rs1476121898, ClinGen allele CA382616736.
Genomic context (GRCh38, chr11:112,086,950, plus strand): 5'-TGAGCCCTCAGGAACGAGATGGCGGTTCTCTGGAGGCTGAGTGCCGTTTGCGGTGCCCTA[G>C]GAGGCCGAGGTGAGGGGTCTTCCCACCCTGAGGTGCTTAGCGTAGCCTCCAGCCAGGGAA-3'
Protein context (NP_002993.1, residues 5-25): WRLSAVCGAL[Gly15Arg]GRALLLRTPV